The following is an entry in ClinVar:

NM_014712.3(SETD1A):c.4135AGC[2] (p.Ser1381_Ser1383del)

Gene: SETD1A (SET domain containing 1A, histone lysine methyltransferase; plus strand). Cytogenetic location: 16p11.2.
Variant type: Microsatellite.
Coding change: c.4135AGC[2] on transcript NM_014712.3 (MANE Select); two copies in a row of the 3-base unit AGC starting at c.4135; the reference has five copies in a row; three copies, 9 bases deleted; also written c.4141_4149del.
Protein change: p.Ser1381_Ser1383del.
Molecular consequence: inframe deletion.
Genome position (GRCh38, 1-based): chr16:30,979,927-30,979,935, AGCAGCAGC deleted; deleting any 9 consecutive bases within chr16:30,979,920-30,979,935 gives the same sequence; the position shown is the placement nearest the transcript's 3' end. VCF-style (leftmost placement, unchanged base first): chr16-30979919-ACAGCAGCAG-A. GRCh37 (hg19) VCF-style: chr16-30991240-ACAGCAGCAG-A.
Other names: c.4141_4149del (NM_014712.3).
Identifiers: ClinVar variation 4855367 (VCV004855367.1).
Genomic context (GRCh38, chr16:30,979,919, plus strand): 5'-GGGAGGAGGGCGAAGAGGAGGGGGAGGAAGAGGGGGAGGAAGAGGAGGAGGAGTCCTCTG[ACAGCAGCAG>A]CAGCAGCGATGGGGAGGGCGCCCTCCGGAGGCGCAGCCTCCGCTCCCACGCCCGGCGCCG-3'

ClinVar aggregate classification (germline): Uncertain significance (1 of 4 stars; one submission).

Conditions:
Epilepsy, early-onset, with or without developmental delay. Identifiers: MedGen C5882670, MONDO:0030005, OMIM 618832.

Submission:

3billion
Classification: Uncertain significance for Epilepsy, early-onset, with or without developmental delay. Last evaluated: 2025-12-16. Review status: criteria provided, single submitter. Criteria: ACMG Guidelines, 2015. Collection method: clinical testing. Allele origin: germline. Affected: yes.
Comment: The variant is not observed in the gnomAD v4.1.0 dataset. Predicted Consequence/Location: Inframe deletion located in a nonrepeat region: predicted to change the length of the protein and disrupt normal protein function. Therefore, this variant is classified as VUS according to the recommendation of ACMG/AMP guideline.